The following is an entry in ClinVar:

NM_021267.5(CERS1):c.698A>G (p.His233Arg)

Genes: GDF1 (growth differentiation factor 1; minus strand), CERS1 (ceramide synthase 1; minus strand). Cytogenetic location: 19p13.11.
Variant type: single nucleotide variant.
Coding change: c.698A>G on transcript NM_021267.5 (MANE Select); coding-DNA position 698, A replaced by G.
Protein change: p.His233Arg; replaces histidine 233 with arginine.
Molecular consequence: missense variant. On other transcripts: 5 prime UTR variant (1), intron variant (1).
Genome position (GRCh38, 1-based): chr19:18,880,328, T>C on the plus strand (A>G on the coding strand, the complement: CERS1 is on the minus strand). VCF-style: chr19-18880328-T-C. GRCh37 (hg19) VCF-style: chr19-18991137-T-C.
Other names: c.404A>G, p.His135Arg (NM_001290265.2, NM_001387442.1, NM_001387443.1 and 2 more transcripts); c.698A>G, p.His233Arg (NM_001387439.1, NM_001387440.1, NM_198207.3); c.653A>G, p.His218Arg (NM_001387441.1); c.-625A>G (NM_001492.6); c.-313+3759A>G (NM_001387438.1); c.698A>G (NM_021267.3); short protein forms H135R, H233R, H218R.
Identifiers: ClinVar variation 1482369 (VCV001482369.5), dbSNP rs2056172422, ClinGen allele CA404866208.
Genomic context (GRCh38, chr19:18,880,328, plus strand): 5'-ACTCACCAGCTGAAGCCGAAGCTGAGGCAGCCCAAGTCTGCTGCCAAGGCATGCAGCCGA[T>C]GGTAGGAGCCGCCGCGGGACTTGAAGTAAATGTTGAGCTTGGTGAACTCAAGCTGCACGT-3'
Protein context (NP_067090.1, residues 223-243): IYFKSRGGSY[His233Arg]RLHALAADLG

ClinVar aggregate classification (germline): Uncertain significance. Review status: criteria provided, multiple submitters, no conflicts (2 of 4 stars). 2 submissions from 2 submitters: Uncertain significance (2). Last evaluated 2025-12-03.

Conditions:
Progressive myoclonic epilepsy type 8. Identifiers: Orphanet 424027, MedGen C5190825, MONDO:0014545, OMIM 616230.

Allele frequency attached by ClinVar (database versions not stated): gnomAD 0.00001; gnomAD exomes below 0.00001; TOPMed 0.00001.
gnomAD v4.1: 4 of 1,554,836 alleles (0.00026%); highest among the groups gnomAD compares: Non-Finnish European, 0.00035%; no homozygotes.

Submissions (2):

Ambry Genetics
Classification: Uncertain significance. Last evaluated: 2025-12-03. Review status: criteria provided, single submitter. Criteria: Ambry Variant Classification Scheme 2023. Collection method: clinical testing. Allele origin: germline.

Labcorp Genetics (formerly Invitae), Labcorp
Classification: Uncertain significance for Progressive myoclonic epilepsy type 8. Last evaluated: 2022-02-04. Review status: criteria provided, single submitter. Criteria: Invitae Variant Classification Sherloc (09022015). Collection method: clinical testing. Allele origin: germline.
Comment: In summary, the available evidence is currently insufficient to determine the role of this variant in disease. Therefore, it has been classified as a Variant of Uncertain Significance. Algorithms developed to predict the effect of missense changes on protein structure and function output the following: SIFT: "Tolerated"; PolyPhen-2: "Benign"; Align-GVGD: "Class C0". The arginine amino acid residue is found in multiple mammalian species, which suggests that this missense change does not adversely affect protein function. This variant has not been reported in the literature in individuals affected with CERS1-related conditions. This variant is not present in population databases (gnomAD no frequency). This sequence change replaces histidine, which is basic and polar, with arginine, which is basic and polar, at codon 233 of the CERS1 protein (p.His233Arg).